The following is an entry in ClinVar:

ClinVar aggregate classification (germline): Pathogenic/Likely pathogenic. Review status: criteria provided, multiple submitters, no conflicts (2 of 4 stars). 2 submissions from 2 submitters: Pathogenic (1); Likely pathogenic (1). Last evaluated 2025-05-05.

Conditions:
Capillary malformation-arteriovenous malformation syndrome. Also called: Capillary malformation-arteriovenous malformation. Identifiers: Orphanet 137667, MedGen C1842180, MONDO:0012016.
Capillary malformation-arteriovenous malformation 1 (CMAVM1). Identifiers: Orphanet 137667, Orphanet 693907, MedGen C4747394, MONDO:0020783, OMIM 608354.

Submissions (2):

Labcorp Genetics (formerly Invitae), Labcorp
Classification: Pathogenic for Capillary malformation-arteriovenous malformation syndrome. Last evaluated: 2025-05-05. Review status: criteria provided, single submitter. Criteria: Invitae Variant Classification Sherloc (09022015). Collection method: clinical testing. Allele origin: germline.
Comment: This sequence change creates a premature translational stop signal (p.Glu5Argfs*2) in the RASA1 gene. It is expected to result in an absent or disrupted protein product. Loss-of-function variants in RASA1 are known to be pathogenic (PMID: 24038909). This variant is not present in population databases (gnomAD no frequency). This variant has not been reported in the literature in individuals affected with RASA1-related conditions. ClinVar contains an entry for this variant (Variation ID: 3256551). For these reasons, this variant has been classified as Pathogenic.

Laboratory of Medical Genetics, National & Kapodistrian University of Athens
Classification: Likely pathogenic for Capillary malformation-arteriovenous malformation 1. Last evaluated: 2024-06-17. Review status: criteria provided, single submitter. Criteria: ACMG Guidelines, 2015. Collection method: clinical testing. Allele origin: germline. Affected: yes.
Comment: PVS1, PM2 - The variant is expected to result in an absent or disrupted protein product. Not observed in large population cohorts (gnomAD).

Literature cited by the submitters: PubMed 24038909 (cited by Labcorp Genetics (formerly Invitae), Labcorp).

NM_002890.3(RASA1):c.13_37del (p.Glu5fs)

Gene: RASA1 (RAS p21 protein activator 1; plus strand). Cytogenetic location: 5q14.3.
Variant type: Deletion.
Coding change: c.13_37del on transcript NM_002890.3 (MANE Select); coding-DNA positions 13 to 37, 25 bases deleted (GAGGCCGGCAGTGAGGAGGGCGGCC).
Protein change: p.Glu5fs; shifts the reading frame from glutamic acid 5.
Molecular consequence: frameshift variant.
Genome position (GRCh38, 1-based): chr5:87,268,464-87,268,488, GAGGCCGGCAGTGAGGAGGGCGGCC deleted; deleting any 25 consecutive bases within chr5:87,268,457-87,268,488 gives the same sequence; the c. name uses the placement nearest the transcript's 3' end. VCF-style (leftmost placement, unchanged base first): chr5-87268456-TGGCGGCCGAGGCCGGCAGTGAGGAG-T. GRCh37 (hg19) VCF-style: chr5-86564273-TGGCGGCCGAGGCCGGCAGTGAGGAG-T.
Other names: short protein forms E5fs.
Identifiers: ClinVar variation 3256551 (VCV003256551.3).
Genomic context (GRCh38, chr5:87,268,456, plus strand): 5'-GTGGCCCCTGGGGCTCCCGGGCGGGCAGGGTAGGGCAGAGTAGAGCGGGCTTCAACATGA[TGGCGGCCGAGGCCGGCAGTGAGGAG>T]GGCGGCCCGGTAACAGCCGGAGCTGGAGGAGGCGGCGCGGCAGCGGGCTCCAGTGCCTAT-3'